The following is an entry in ClinVar:

NM_000419.5(ITGA2B):c.128C>T (p.Ala43Val)

Gene: ITGA2B (integrin subunit alpha 2b; minus strand). Cytogenetic location: 17q21.31.
Variant type: single nucleotide variant.
Coding change: c.128C>T on transcript NM_000419.5 (MANE Select); coding-DNA position 128, C replaced by T.
Protein change: p.Ala43Val; replaces alanine 43 with valine.
Molecular consequence: missense variant.
Genome position (GRCh38, 1-based): chr17:44,389,346, G>A on the plus strand (C>T on the coding strand, the complement: ITGA2B is on the minus strand). VCF-style: chr17-44389346-G-A. GRCh37 (hg19) VCF-style: chr17-42466714-G-A.
Other names: short protein forms A43V.
Identifiers: ClinVar variation 3032379 (VCV003032379.3), dbSNP rs559994522, ClinGen allele CA8603537.

ClinVar aggregate classification (germline): Uncertain significance (1 of 4 stars; one submission).

Conditions:
ITGA2B-related disorder. Also called: ITGA2B-related condition; ITGA2B-related disorders.

Allele frequency attached by ClinVar (database versions not stated): gnomAD exomes below 0.00001; ExAC 0.00001; gnomAD 0.00001; TOPMed 0.00001; 1000 Genomes Project 30x 0.00016; 1000 Genomes Project 0.00020.

Submission:

PreventionGenetics, part of Exact Sciences
Classification: Uncertain significance for ITGA2B-related condition. Last evaluated: 2026-01-13. Review status: criteria provided, single submitter. Criteria: ACMG Guidelines, 2015. Collection method: clinical testing. Allele origin: germline.
Comment: The ITGA2B c.128C>T variant is predicted to result in the amino acid substitution p.Ala43Val. To our knowledge, this variant has not been reported in the literature. This variant is reported in 0.0087% of alleles in individuals of Latino descent in gnomAD. At this time, the clinical significance of this variant is uncertain due to the absence of conclusive functional and genetic evidence.